The following is an entry in ClinVar:

ClinVar aggregate classification (germline): Uncertain significance (1 of 4 stars; one submission).

Conditions:
Hereditary cancer-predisposing syndrome. Also called: Tumor predisposition; Hereditary Cancer Syndrome; Hereditary neoplastic syndrome; Neoplastic Syndromes, Hereditary. Identifiers: Orphanet 140162, MedGen C0027672, MeSH D009386, MONDO:0015356.

Submission:

Ambry Genetics
Classification: Uncertain significance for Hereditary cancer-predisposing syndrome. Last evaluated: 2016-12-30. Review status: criteria provided, single submitter. Criteria: Ambry Variant Classification Scheme 2023. Collection method: clinical testing. Allele origin: germline.
Comment: The p.T983A variant (also known as c.2947A>G), located in coding exon 9 of the PALB2 gene, results from an A to G substitution at nucleotide position 2947. The threonine at codon 983 is replaced by alanine, an amino acid with similar properties. This amino acid position is not well conserved in available vertebrate species. In addition, this alteration is predicted to be tolerated by in silico analysis. Since supporting evidence is limited at this time, the clinical significance of p.T983A remains unclear.

NM_024675.4(PALB2):c.2947A>G (p.Thr983Ala)

Gene: PALB2 (partner and localizer of BRCA2; minus strand). Cytogenetic location: 16p12.2.
Variant type: single nucleotide variant.
Coding change: c.2947A>G on transcript NM_024675.4 (MANE Select); coding-DNA position 2947, A replaced by G.
Protein change: p.Thr983Ala; replaces threonine 983 with alanine.
Molecular consequence: missense variant.
Genome position (GRCh38, 1-based): chr16:23,623,018, T>C on the plus strand (A>G on the coding strand, the complement: PALB2 is on the minus strand). VCF-style: chr16-23623018-T-C. GRCh37 (hg19) VCF-style: chr16-23634339-T-C.
Other names: short protein forms T983A.
Identifiers: ClinVar variation 485998 (VCV000485998.5), dbSNP rs587782211, ClinGen allele CA395144084.